The following is an entry in ClinVar:

ClinVar aggregate classification (germline): Conflicting classifications of pathogenicity. Review status: criteria provided, conflicting classifications (1 of 4 stars). 5 submissions from 5 submitters: Uncertain significance (1); Benign (1); Likely benign (3). Last evaluated 2026-03-13.

Conditions:
Catecholaminergic polymorphic ventricular tachycardia 1. Also called: VENTRICULAR TACHYCARDIA, STRESS-INDUCED POLYMORPHIC 1; VENTRICULAR TACHYCARDIA, CATECHOLAMINERGIC POLYMORPHIC, 1, WITH OR WITHOUT ATRIAL DYSFUNCTION AND/OR DILATED CARDIOMYOPATHY; RYR2-Related Catecholaminergic Polymorphic Ventricular Tachycardia. Identifiers: Orphanet 3286, MedGen C1631597, MONDO:0011484, OMIM 604772.

Allele frequency attached by ClinVar (database versions not stated): 1000 Genomes Project 30x 0.00016; 1000 Genomes Project 0.00020; TOPMed 0.00031; gnomAD 0.00036 and 0.00038; ESP Exome Variant Server 0.00068.
gnomAD v4.1: 346 of 1,608,810 alleles (0.022%); highest among the groups gnomAD compares: Middle Eastern, 0.1%; 1 homozygote.

Submissions (5):

Women's Health and Genetics/Laboratory Corporation of America, LabCorp
Classification: Likely benign. Last evaluated: 2026-03-13. Review status: criteria provided, single submitter. Criteria: LabCorp Variant Classification Summary - May 2015. Collection method: clinical testing. Allele origin: germline.

Labcorp Genetics (formerly Invitae), Labcorp
Classification: Benign for Catecholaminergic polymorphic ventricular tachycardia 1. Last evaluated: 2026-01-26. Review status: criteria provided, single submitter. Criteria: Invitae Variant Classification Sherloc (09022015). Collection method: clinical testing. Allele origin: germline.

Blueprint Genetics
Classification: Likely benign. Last evaluated: 2024-10-08. Review status: criteria provided, single submitter. Criteria: ACMG Guidelines, 2015. Collection method: clinical testing. Allele origin: germline.

GeneDx
Classification: Likely benign. Last evaluated: 2020-12-15. Review status: criteria provided, single submitter. Criteria: GeneDx Variant Classification Process June 2021. Collection method: clinical testing. Allele origin: germline. Affected: yes.

Laboratory for Molecular Medicine, Mass General Brigham Personalized Medicine
Classification: Uncertain significance. Last evaluated: 2015-12-21. Review status: criteria provided, single submitter. Criteria: LMM Criteria. Collection method: clinical testing. Allele origin: germline. Observed: 2 variant alleles.
Comment: The c.1472-12G>A variant in TRDN has not been previously reported in individuals with cardiomyopathy, but has been identified in 20/65850 European chromosomes b y the Exome Aggregation Consortium (ExAC; dbSNP rs375364108). This variant is located in the 3' splice region. Computational too ls do not suggest an impact to splicing. However, this information is not predic tive enough to rule out pathogenicity. In summary, the clinical significance of the c.1472-12G>A variant is uncertain.

NM_006073.4(TRDN):c.1472-12G>A

Gene: TRDN (triadin; minus strand). Cytogenetic location: 6q22.31.
Variant type: single nucleotide variant.
Coding change: c.1472-12G>A on transcript NM_006073.4 (MANE Select); 12 bases into the intron before coding-DNA position 1472, G replaced by A.
Molecular consequence: intron variant.
Genome position (GRCh38, 1-based): chr6:123,316,507, C>T on the plus strand (G>A on the coding strand, the complement: TRDN is on the minus strand). VCF-style: chr6-123316507-C-T. GRCh37 (hg19) VCF-style: chr6-123637652-C-T.
Identifiers: ClinVar variation 229349 (VCV000229349.18), dbSNP rs375364108, ClinGen allele CA3983928.